The following is an entry in ClinVar:

ClinVar aggregate classification (germline): Uncertain significance. Review status: criteria provided, multiple submitters, no conflicts (2 of 4 stars). 2 submissions from 2 submitters: Uncertain significance (2). Last evaluated 2025-12-09.

Conditions:
Hereditary cancer-predisposing syndrome. Also called: Hereditary neoplastic syndrome; Hereditary Cancer Syndrome; Neoplastic Syndromes, Hereditary; Tumor predisposition. Identifiers: Orphanet 140162, MedGen C0027672, MeSH D009386, MONDO:0015356.
Tuberous sclerosis 2 (TSC2). Identifiers: Orphanet 805, MedGen C1860707, MONDO:0013199, OMIM 613254.

Submissions (2):

Labcorp Genetics (formerly Invitae), Labcorp
Classification: Uncertain significance for Tuberous sclerosis 2. Last evaluated: 2025-12-09. Review status: criteria provided, single submitter. Criteria: Invitae Variant Classification Sherloc (09022015). Collection method: clinical testing. Allele origin: germline.
Comment: This sequence change replaces serine, which is neutral and polar, with phenylalanine, which is neutral and non-polar, at codon 1447 of the TSC2 protein (p.Ser1447Phe). This variant is not present in population databases (gnomAD no frequency). This variant has not been reported in the literature in individuals affected with TSC2-related conditions. ClinVar contains an entry for this variant (Variation ID: 1374047). Invitae Evidence Modeling of protein sequence and biophysical properties (such as structural, functional, and spatial information, amino acid conservation, physicochemical variation, residue mobility, and thermodynamic stability) indicates that this missense variant is not expected to disrupt TSC2 protein function with a negative predictive value of 95%. In summary, the available evidence is currently insufficient to determine the role of this variant in disease. Therefore, it has been classified as a Variant of Uncertain Significance.

Ambry Genetics
Classification: Uncertain significance for Hereditary cancer-predisposing syndrome. Last evaluated: 2025-02-21. Review status: criteria provided, single submitter. Criteria: Ambry Variant Classification Scheme 2023. Collection method: clinical testing. Allele origin: germline.
Comment: The p.S1447F variant (also known as c.4340C>T), located in coding exon 33 of the TSC2 gene, results from a C to T substitution at nucleotide position 4340. The serine at codon 1447 is replaced by phenylalanine, an amino acid with highly dissimilar properties. This amino acid position is not well conserved in available vertebrate species. In addition, the in silico prediction for this alteration is inconclusive. Based on the available evidence, the clinical significance of this variant remains unclear.

NM_000548.5(TSC2):c.4340C>T (p.Ser1447Phe)

Gene: TSC2 (TSC complex subunit 2; plus strand). Cytogenetic location: 16p13.3.
Variant type: single nucleotide variant.
Coding change: c.4340C>T on transcript NM_000548.5 (MANE Select); coding-DNA position 4340, C replaced by T.
Protein change: p.Ser1447Phe; replaces serine 1447 with phenylalanine.
Molecular consequence: missense variant.
Genome position (GRCh38, 1-based): chr16:2,084,562, C>T. VCF-style: chr16-2084562-C-T. GRCh37 (hg19) VCF-style: chr16-2134563-C-T.
Other names: c.4139C>T, p.Ser1380Phe (NM_001077183.3); c.4271C>T, p.Ser1424Phe (NM_001114382.3); c.4031C>T, p.Ser1344Phe (NM_001318827.2); c.3995C>T, p.Ser1332Phe (NM_001318829.2); c.3608C>T, p.Ser1203Phe (NM_001318831.2); c.4172C>T, p.Ser1391Phe (NM_001318832.2); c.4142C>T, p.Ser1381Phe (NM_001363528.2); c.4208C>T, p.Ser1403Phe (NM_001370404.1); and 2 more; short protein forms S1203F, S1344F, S1380F, S1404F, S1391F, S1424F, S1332F, S1381F.
Identifiers: ClinVar variation 1374047 (VCV001374047.7), dbSNP rs1218154295, ClinGen allele CA394301492.